The following is an entry in ClinVar:

ClinVar aggregate classification (germline): Uncertain significance. Review status: criteria provided, multiple submitters, no conflicts (2 of 4 stars). 2 submissions from 2 submitters: Uncertain significance (2). Last evaluated 2024-10-24.

Conditions:
Hypogonadotropic hypogonadism 2 with or without anosmia (HH2). Also called: HYPOGONADOTROPIC HYPOGONADISM 2 WITHOUT ANOSMIA; HYPOGONADOTROPIC HYPOGONADISM 2 WITH OR WITHOUT ANOSMIA, SUSCEPTIBILITY TO; HYPOGONADOTROPIC HYPOGONADISM 2 WITHOUT ANOSMIA, SUSCEPTIBILITY TO; FGFR1-Related GnRH Deficiency (Kallmann Syndrome 2). Identifiers: Orphanet 478, MedGen C1563720, MONDO:0007844, OMIM 147950. Disease mechanism: loss of function.
Pfeiffer syndrome (ACS5). Also called: ACS V. Identifiers: Orphanet 710, MedGen C0220658, MONDO:0007043, OMIM 101600.

Allele frequency attached by ClinVar (database versions not stated): gnomAD exomes 0.00001 and 0.00002; ExAC 0.00004.
gnomAD v4.1: 17 of 1,614,110 alleles (0.0011%); highest among the groups gnomAD compares: Admixed American, 0.0083%; no homozygotes.

Submissions (2):

GeneDx
Classification: Uncertain significance. Last evaluated: 2024-10-24. Review status: criteria provided, single submitter. Criteria: GeneDx Variant Classification Process June 2021. Collection method: clinical testing. Allele origin: germline. Affected: yes.
Comment: In silico analysis indicates that this missense variant does not alter protein structure/function; Has not been previously published as pathogenic or benign to our knowledge

Labcorp Genetics (formerly Invitae), Labcorp
Classification: Uncertain significance for Pfeiffer syndrome; Hypogonadotropic hypogonadism 2 with or without anosmia. Last evaluated: 2024-02-27. Review status: criteria provided, single submitter. Criteria: Invitae Variant Classification Sherloc (09022015). Collection method: clinical testing. Allele origin: germline.
Comment: This sequence change replaces valine, which is neutral and non-polar, with isoleucine, which is neutral and non-polar, at codon 151 of the FGFR1 protein (p.Val151Ile). This variant is present in population databases (rs762665767, gnomAD 0.01%). This variant has not been reported in the literature in individuals affected with FGFR1-related conditions. ClinVar contains an entry for this variant (Variation ID: 1254807). An algorithm developed to predict the effect of missense changes on protein structure and function (PolyPhen-2) suggests that this variant is likely to be tolerated. In summary, the available evidence is currently insufficient to determine the role of this variant in disease. Therefore, it has been classified as a Variant of Uncertain Significance.

NM_023110.3(FGFR1):c.451G>A (p.Val151Ile)

Gene: FGFR1 (fibroblast growth factor receptor 1; minus strand). Cytogenetic location: 8p11.23.
Variant type: single nucleotide variant.
Coding change: c.451G>A on transcript NM_023110.3 (MANE Select); coding-DNA position 451, G replaced by A.
Protein change: p.Val151Ile; replaces valine 151 with isoleucine.
Molecular consequence: missense variant.
Genome position (GRCh38, 1-based): chr8:38,428,091, C>T on the plus strand (G>A on the coding strand, the complement: FGFR1 is on the minus strand). VCF-style: chr8-38428091-C-T. GRCh37 (hg19) VCF-style: chr8-38285609-C-T.
Other names: c.451G>A, p.Val151Ile (NM_001174063.2); c.427G>A, p.Val143Ile (NM_001174064.2); c.445G>A, p.Val149Ile (NM_001174065.2, NM_001354367.2, NM_001354369.2 and 1 more transcripts); c.184G>A, p.Val62Ile (NM_001174066.2, NM_023105.3); c.544G>A, p.Val182Ile (NM_001174067.2); c.178G>A, p.Val60Ile (NM_001354368.2, NM_001354370.2, NM_023106.3); short protein forms V143I, V149I, V151I, V182I, V60I, V62I.
Identifiers: ClinVar variation 1254807 (VCV001254807.8), dbSNP rs762665767, ClinGen allele CA4718717.